The following is an entry in ClinVar:

NM_031157.4(HNRNPA1):c.1057A>G (p.Asn353Asp)

Gene: HNRNPA1 (heterogeneous nuclear ribonucleoprotein A1; plus strand). Cytogenetic location: 12q13.13.
Variant type: single nucleotide variant.
Coding change: c.1057A>G on transcript NM_031157.4 (MANE Select); coding-DNA position 1057, A replaced by G.
Protein change: p.Asn353Asp; replaces asparagine 353 with aspartic acid.
Molecular consequence: missense variant. On other transcripts: non-coding transcript variant (1).
Genome position (GRCh38, 1-based): chr12:54,283,961, A>G. VCF-style: chr12-54283961-A-G. GRCh37 (hg19) VCF-style: chr12-54677745-A-G.
Other names: c.901A>G, p.Asn301Asp (NM_002136.4); short protein forms N353D, N301D.
Identifiers: ClinVar variation 135607 (VCV000135607.2), dbSNP rs483353039, ClinGen allele CA163080.

ClinVar aggregate classification (germline): Likely pathogenic (0 of 4 stars; one submission).

Conditions:
Chronic progressive multiple sclerosis. Identifiers: MedGen C0393665, MONDO:0005284.

Allele frequency attached by ClinVar (database versions not stated): gnomAD exomes below 0.00001.
gnomAD v4.1: 2 of 1,605,782 alleles (0.00012%); highest among the groups gnomAD compares: Non-Finnish European, 0.00017%; no homozygotes.

Submission:

Demyelinating Disease Laboratories, VA Medical Center and University of Tennessee
Classification: Likely pathogenic. Review status: no assertion criteria provided. Collection method: not provided. Allele origin: somatic.
ClinVar note: Converted during submission from probable-pathogenic to Likely pathogenic.